The following is an entry in ClinVar:

ClinVar aggregate classification (germline): Uncertain significance. Review status: criteria provided, multiple submitters, no conflicts (2 of 4 stars). 2 submissions from 2 submitters: Uncertain significance (2). Last evaluated 2025-08-27.

Allele frequency attached by ClinVar (database versions not stated): gnomAD 0.00002; TOPMed 0.00003; ExAC 0.00034.
gnomAD v4.1: 47 of 1,501,948 alleles (0.0031%); highest among the groups gnomAD compares: Admixed American, 0.0079%; no homozygotes.

Submissions (2):

Ambry Genetics
Classification: Uncertain significance. Last evaluated: 2025-08-27. Review status: criteria provided, single submitter. Criteria: Ambry Variant Classification Scheme 2023. Collection method: clinical testing. Allele origin: germline.

Labcorp Genetics (formerly Invitae), Labcorp
Classification: Uncertain significance. Last evaluated: 2022-03-13. Review status: criteria provided, single submitter. Criteria: Invitae Variant Classification Sherloc (09022015). Collection method: clinical testing. Allele origin: germline.
Comment: This sequence change replaces serine, which is neutral and polar, with asparagine, which is neutral and polar, at codon 2083 of the CACNA1B protein (p.Ser2083Asn). This variant is present in population databases (rs753323084, gnomAD 0.02%). This variant has not been reported in the literature in individuals affected with CACNA1B-related conditions. Advanced modeling of protein sequence and biophysical properties (such as structural, functional, and spatial information, amino acid conservation, physicochemical variation, residue mobility, and thermodynamic stability) performed at Invitae indicates that this missense variant is not expected to disrupt CACNA1B protein function. In summary, the available evidence is currently insufficient to determine the role of this variant in disease. Therefore, it has been classified as a Variant of Uncertain Significance.

NM_000718.4(CACNA1B):c.6248G>A (p.Ser2083Asn)

Gene: CACNA1B (calcium voltage-gated channel subunit alpha1 B; plus strand). Cytogenetic location: 9q34.3.
Variant type: single nucleotide variant.
Coding change: c.6248G>A on transcript NM_000718.4 (MANE Select); coding-DNA position 6248, G replaced by A.
Protein change: p.Ser2083Asn; replaces serine 2083 with asparagine.
Molecular consequence: missense variant.
Genome position (GRCh38, 1-based): chr9:138,120,640, G>A. VCF-style: chr9-138120640-G-A. GRCh37 (hg19) VCF-style: chr9-141015092-G-A.
Other names: c.6248G>A (NM_000718.3); c.6248G>A, p.Ser2083Asn (NM_001243812.2); short protein forms S2083N.
Identifiers: ClinVar variation 2055587 (VCV002055587.2), dbSNP rs753323084, ClinGen allele CA5377667.